The following is an entry in ClinVar:

ClinVar aggregate classification (germline): Conflicting classifications of pathogenicity. Review status: criteria provided, conflicting classifications (1 of 4 stars). 3 submissions from 3 submitters: Likely pathogenic (2); Uncertain significance (1). Last evaluated 2025-09-11.

Conditions:
LBR-related disorder. Also called: LBR-related condition; LBR-related disorders.

Allele frequency attached by ClinVar (database versions not stated): ExAC 0.00001; gnomAD 0.00001; gnomAD exomes 0.00002 and 0.00003; TOPMed 0.00002.
gnomAD v4.1: 42 of 1,613,348 alleles (0.0026%); highest among the groups gnomAD compares: South Asian, 0.012%; 1 homozygote.

Submissions (3):

Labcorp Genetics (formerly Invitae), Labcorp
Classification: Likely pathogenic. Last evaluated: 2025-09-11. Review status: criteria provided, single submitter. Criteria: Invitae Variant Classification Sherloc (09022015). Collection method: clinical testing. Allele origin: germline.
Comment: This sequence change replaces arginine, which is basic and polar, with cysteine, which is neutral and slightly polar, at codon 586 of the LBR protein (p.Arg586Cys). This variant is present in population databases (rs199675363, gnomAD 0.004%). This variant has not been reported in the literature in individuals affected with LBR-related conditions. ClinVar contains an entry for this variant (Variation ID: 1320971). Invitae Evidence Modeling of protein sequence and biophysical properties (such as structural, functional, and spatial information, amino acid conservation, physicochemical variation, residue mobility, and thermodynamic stability) indicates that this missense variant is expected to disrupt LBR protein function with a positive predictive value of 80%. This variant disrupts the p.Arg586 amino acid residue in LBR. Other variant(s) that disrupt this residue have been determined to be pathogenic (PMID: 23824842, 34567078). This suggests that this residue is clinically significant, and that variants that disrupt this residue are likely to be disease-causing. In summary, the currently available evidence indicates that the variant is pathogenic, but additional data are needed to prove that conclusively. Therefore, this variant has been classified as Likely Pathogenic.

Blueprint Genetics
Classification: Likely pathogenic for LBR-related disorders. Last evaluated: 2022-10-28. Review status: criteria provided, single submitter. Criteria: ACMG Guidelines, 2015. Collection method: clinical testing. Allele origin: germline. Affected: yes. Observed: 4 variant alleles.

GeneDx
Classification: Uncertain significance. Last evaluated: 2020-02-05. Review status: criteria provided, single submitter. Criteria: GeneDx Variant Classification Process June 2021. Collection method: clinical testing. Allele origin: germline. Affected: yes.
Comment: In silico analysis, which includes protein predictors and evolutionary conservation, supports a deleterious effect; Has not been previously published as pathogenic or benign to our knowledge

Literature cited by the submitters: PubMed 23824842 (cited by Labcorp Genetics (formerly Invitae), Labcorp); PubMed 34567078 (cited by Labcorp Genetics (formerly Invitae), Labcorp).

NM_002296.4(LBR):c.1756C>T (p.Arg586Cys)

Gene: LBR (lamin B receptor; minus strand). Cytogenetic location: 1q42.12.
Variant type: single nucleotide variant.
Coding change: c.1756C>T on transcript NM_002296.4 (MANE Select); coding-DNA position 1756, C replaced by T.
Protein change: p.Arg586Cys; replaces arginine 586 with cysteine.
Molecular consequence: missense variant.
Genome position (GRCh38, 1-based): chr1:225,403,395, G>A on the plus strand (C>T on the coding strand, the complement: LBR is on the minus strand). VCF-style: chr1-225403395-G-A. GRCh37 (hg19) VCF-style: chr1-225591097-G-A.
Other names: c.1756C>T, p.Arg586Cys (NM_194442.3); short protein forms R586C.
Identifiers: ClinVar variation 1320971 (VCV001320971.7), dbSNP rs199675363, ClinGen allele CA1417040.
Genomic context (GRCh38, chr1:225,403,395, plus strand): 5'-CACGCTGACAGTACTTTTCCCAAGCCACGCCGTATTTCTTCTTACAGTGGTACTCGTCAC[G>A]AGCTTCTCGGTGGACAAGCAACATGGTGAAATAAATTATGTAGAAATAAGGCAGAATGTG-3'
Protein context (NP_002287.2, residues 576-596): FTMLLVHREA[Arg586Cys]DEYHCKKKYG